The following is an entry in ClinVar:

ClinVar aggregate classification (germline): Uncertain significance (1 of 4 stars; one submission).

Submission:

Women's Health and Genetics/Laboratory Corporation of America, LabCorp
Classification: Uncertain significance. Last evaluated: 2021-08-03. Review status: criteria provided, single submitter. Criteria: LabCorp Variant Classification Summary - May 2015. Collection method: clinical testing. Allele origin: germline.
Comment: Variant summary: L1CAM c.718_775delins10 (p.Pro240_Pro259delinsThrLeuThrAla) results in an in-frame deletion-insertion that is predicted to delete 20 amino acids and insert 4 amino acids from the protein, which are located in the Immunoglobulin subtype and Immunoglobulin-like domain. The variant was absent in 182902 control chromosomes. To our knowledge, no occurrence of c.718_775delins10 in individuals affected with L1 Syndrome and no experimental evidence demonstrating its impact on protein function have been reported. No clinical diagnostic laboratories have submitted clinical-significance assessments for this variant to ClinVar after 2014. Other in-frame del/ins variants have not, to our knowledge, been reported in HGMD or ClinVar. Based on the evidence outlined above, the variant was classified as VUS.

NM_001278116.2(L1CAM):c.718_775delinsACATTGACAG (p.Pro240_Pro259delinsThrLeuThrAla)

Gene: L1CAM (L1 cell adhesion molecule; minus strand). Cytogenetic location: Xq28.
Variant type: Indel.
Coding change: c.718_775delinsACATTGACAG on transcript NM_001278116.2 (MANE Select); coding-DNA positions 718 to 775, the reference bases replaced by ACATTGACAG.
Protein change: p.Pro240_Pro259delinsThrLeuThrAla.
Molecular consequence: inframe indel.
Genome position (GRCh38, 1-based): chrX:153,870,419-153,870,476, 58 bases replaced. GRCh37 (hg19): chrX:153,135,874-153,135,931.
Other names: c.718_775delinsACATTGACAG, p.Pro240_Pro259delinsThrLeuThrAla (NM_000425.5, NM_024003.3); c.703_760delinsACATTGACAG, p.Pro235_Pro254delinsThrLeuThrAla (NM_001143963.2).
Identifiers: ClinVar variation 1217291 (VCV001217291.1), dbSNP rs2148498265, ClinGen allele CA2499226460.